The following is an entry in ClinVar:

NM_001148.6(ANK2):c.1955G>C (p.Gly652Ala)

Gene: ANK2 (ankyrin 2; plus strand). Cytogenetic location: 4q26.
Variant type: single nucleotide variant.
Coding change: c.1955G>C on transcript NM_001148.6 (MANE Select); coding-DNA position 1955, G replaced by C.
Protein change: p.Gly652Ala; replaces glycine 652 with alanine.
Molecular consequence: missense variant.
Genome position (GRCh38, 1-based): chr4:113,282,748, G>C. VCF-style: chr4-113282748-G-C. GRCh37 (hg19) VCF-style: chr4-114203904-G-C.
Other names: c.1892G>C, p.Gly631Ala (NM_001127493.3, NM_001354239.2, NM_001354243.2 and 10 more transcripts); c.1955G>C, p.Gly652Ala (NM_001354225.2, NM_001354228.2, NM_001354232.2 and 6 more transcripts); c.2000G>C, p.Gly667Ala (NM_001354230.2, NM_001354231.2, NM_001354237.2 and 5 more transcripts); c.1856G>C, p.Gly619Ala (NM_001354245.2, NM_001354268.2); c.1868G>C, p.Gly623Ala (NM_001354249.2, NM_001354264.2, NM_001354266.2 and 10 more transcripts); c.1793G>C, p.Gly598Ala (NM_001354253.2, NM_001354257.2, NM_001354270.2 and 1 more transcripts); c.1769G>C, p.Gly590Ala (NM_001354260.2, NM_001354271.2, NM_001386151.1); c.1913G>C, p.Gly638Ala (NM_001354261.2, NM_001386147.1, NM_001386160.1); and 8 more; short protein forms G524A, G557A, G582A, G586A, G590A, G598A, G619A, G623A.
Identifiers: ClinVar variation 3220965 (VCV003220965.1), dbSNP rs1177283214, ClinGen allele CA357913957.

ClinVar aggregate classification (germline): Uncertain significance (1 of 4 stars; one submission).

Conditions:
Cardiovascular phenotype. Identifiers: MedGen CN230736.

gnomAD v4.1: 1 of 1,613,924 alleles (0.000062%); highest among the groups gnomAD compares: African/African-American, 0.0013%; no homozygotes.

Submission:

Ambry Genetics
Classification: Uncertain significance for Cardiovascular phenotype. Last evaluated: 2023-11-18. Review status: criteria provided, single submitter. Criteria: Ambry Variant Classification Scheme 2023. Collection method: clinical testing. Allele origin: germline.
Comment: The p.G652A variant (also known as c.1955G>C), located in coding exon 18 of the ANK2 gene, results from a G to C substitution at nucleotide position 1955. The glycine at codon 652 is replaced by alanine, an amino acid with similar properties. This amino acid position is conserved. In addition, the in silico prediction for this alteration is inconclusive. Since supporting evidence is limited at this time, the clinical significance of this alteration remains unclear.